The following is an entry in ClinVar:

ClinVar aggregate classification (germline): Likely benign. Review status: criteria provided, multiple submitters, no conflicts (2 of 4 stars). 2 submissions from 2 submitters: Likely benign (2). Last evaluated 2021-07-12.

Conditions:
Maturity-onset diabetes of the young (MODY). Also called: Maturity onset diabetes mellitus in young. Identifiers: Orphanet 552, MedGen C0342276, MONDO:0018911, HP:0004904.

Allele frequency attached by ClinVar (database versions not stated): TOPMed below 0.00001; gnomAD 0.00001; gnomAD exomes 0.00001.
gnomAD v4.1: 15 of 1,613,680 alleles (0.00093%); highest among the groups gnomAD compares: Admixed American, 0.0017%; no homozygotes.

Submissions (2):

Ambry Genetics
Classification: Likely benign for Maturity-onset diabetes of the young. Last evaluated: 2021-07-12. Review status: criteria provided, single submitter. Criteria: Ambry Variant Classification Scheme 2023. Collection method: clinical testing. Allele origin: germline.

Clinical Genomics, Uppaluri K&H Personalized Medicine Clinic
Classification: Likely benign for Maturity-onset diabetes of the young. Review status: criteria provided, single submitter. Criteria: K & H Uppaluri Personalized Medicine Clinic Variant Classification & Assertion Criteria_Updated V.1. Collection method: research. Allele origin: unknown. Inheritance: Autosomal dominant inheritance.
Comment: Potent mutations in HNF4A are associated with poor insulin secretion in response to hyperglycemia. Associated with MODY1. Patients initially respond well to sulfonylureas but eventually become insulin dependent. However, more evidence is required to ascertain the role of this particular variant rs1008906897 in MODY, yet.

Literature cited by the submitters: DOI 10.1159/000334532 (cited by Clinical Genomics, Uppaluri K&H Personalized Medicine Clinic); PubMed 18268044 (cited by Clinical Genomics, Uppaluri K&H Personalized Medicine Clinic); PubMed 17563455 (cited by Clinical Genomics, Uppaluri K&H Personalized Medicine Clinic); PubMed 32583173 (cited by Clinical Genomics, Uppaluri K&H Personalized Medicine Clinic); PubMed 35052457 (cited by Clinical Genomics, Uppaluri K&H Personalized Medicine Clinic); PubMed 35118593 (cited by Clinical Genomics, Uppaluri K&H Personalized Medicine Clinic).

NM_175914.5(HNF4A):c.195C>T (p.Ser65=)

Gene: HNF4A (hepatocyte nuclear factor 4 alpha; plus strand). Cytogenetic location: 20q13.12.
Variant type: single nucleotide variant.
Coding change: c.195C>T on transcript NM_175914.5 (MANE Select); coding-DNA position 195, C replaced by T.
Protein change: p.Ser65=; no amino-acid change (serine 65 retained).
Molecular consequence: synonymous variant.
Genome position (GRCh38, 1-based): chr20:44,406,203, C>T. VCF-style: chr20-44406203-C-T. GRCh37 (hg19) VCF-style: chr20-43034843-C-T.
Other names: c.261C>T, p.Ser87= (NM_000457.6, NM_178849.3, NM_178850.3); c.195C>T, p.Ser65= (NM_001030003.3, NM_001030004.3); c.240C>T, p.Ser80= (NM_001258355.2); c.186C>T, p.Ser62= (NM_001287182.2, NM_001287183.2, NM_001287184.2).
Identifiers: ClinVar variation 1783391 (VCV001783391.3), dbSNP rs1008906897, ClinGen allele CA315404080.